The following is an entry in ClinVar:

NM_002609.4(PDGFRB):c.1316G>C (p.Arg439Pro)

Gene: PDGFRB (platelet derived growth factor receptor beta; minus strand). Cytogenetic location: 5q32.
Variant type: single nucleotide variant.
Coding change: c.1316G>C on transcript NM_002609.4 (MANE Select); coding-DNA position 1316, G replaced by C.
Protein change: p.Arg439Pro; replaces arginine 439 with proline.
Molecular consequence: missense variant.
Genome position (GRCh38, 1-based): chr5:150,130,590, C>G on the plus strand (G>C on the coding strand, the complement: PDGFRB is on the minus strand). VCF-style: chr5-150130590-C-G. GRCh37 (hg19) VCF-style: chr5-149510153-C-G.
Other names: c.1124G>C, p.Arg375Pro (NM_001355016.2); c.833G>C, p.Arg278Pro (NM_001355017.2); short protein forms R278P, R375P, R439P.
Identifiers: ClinVar variation 1698226 (VCV001698226.2), dbSNP rs746042729, ClinGen allele CA361716808.
Genomic context (GRCh38, chr5:150,130,590, plus strand): 5'-TCTGCTCACCTTTTGAGGTCTCTGCAGGCAGACCAGATGATGTTCGGCTGGGGCATGCCC[C>G]GGCCACGACAGCGGACTGTCTGTTCCCCACTGTCAGGGTGGCTCTCACTTAGCTCCAGCA-3'
Protein context (NP_002600.1, residues 429-449): SGEQTVRCRG[Arg439Pro]GMPQPNIIWS

ClinVar aggregate classification (germline): Uncertain significance (1 of 4 stars; one submission).

Submission:

GeneDx
Classification: Uncertain significance. Last evaluated: 2022-01-24. Review status: criteria provided, single submitter. Criteria: GeneDx Variant Classification Process June 2021. Collection method: clinical testing. Allele origin: germline. Affected: yes.
Comment: In silico analysis supports that this missense variant does not alter protein structure/function; Has not been previously published as pathogenic or benign to our knowledge